The following is an entry in ClinVar:

ClinVar aggregate classification (germline): Uncertain significance (1 of 4 stars; one submission).

Conditions:
Hereditary cancer-predisposing syndrome. Also called: Tumor predisposition; Neoplastic Syndromes, Hereditary; Hereditary Cancer Syndrome; Hereditary neoplastic syndrome. Identifiers: Orphanet 140162, MedGen C0027672, MeSH D009386, MONDO:0015356.

Submission:

Ambry Genetics
Classification: Uncertain significance for Hereditary cancer-predisposing syndrome. Last evaluated: 2024-09-21. Review status: criteria provided, single submitter. Criteria: Ambry Variant Classification Scheme 2023. Collection method: clinical testing. Allele origin: germline.
Comment: The p.D560V variant (also known as c.1679A>T), located in coding exon 6 of the BLM gene, results from an A to T substitution at nucleotide position 1679. The aspartic acid at codon 560 is replaced by valine, an amino acid with highly dissimilar properties. This amino acid position is conserved. In addition, the in silico prediction for this alteration is inconclusive. Based on the available evidence, the clinical significance of this variant remains unclear.

NM_000057.4(BLM):c.1679A>T (p.Asp560Val)

Gene: BLM (BLM RecQ like helicase; plus strand). Cytogenetic location: 15q26.1.
Variant type: single nucleotide variant.
Coding change: c.1679A>T on transcript NM_000057.4 (MANE Select); coding-DNA position 1679, A replaced by T.
Protein change: p.Asp560Val; replaces aspartic acid 560 with valine.
Molecular consequence: missense variant.
Genome position (GRCh38, 1-based): chr15:90,761,052, A>T. VCF-style: chr15-90761052-A-T. GRCh37 (hg19) VCF-style: chr15-91304282-A-T.
Other names: c.1679A>T, p.Asp560Val (NM_001287246.2, NM_001287247.2); c.554A>T, p.Asp185Val (NM_001287248.2); short protein forms D185V, D560V.
Identifiers: ClinVar variation 3480859 (VCV003480859.1).